The following is an entry in ClinVar:

NM_002458.3(MUC5B):c.16660G>A (p.Asp5554Asn)

Gene: MUC5B (mucin 5B, oligomeric mucus/gel-forming; plus strand). Cytogenetic location: 11p15.5.
Variant type: single nucleotide variant.
Coding change: c.16660G>A on transcript NM_002458.3 (MANE Select); coding-DNA position 16660, G replaced by A.
Protein change: p.Asp5554Asn; replaces aspartic acid 5554 with asparagine.
Molecular consequence: missense variant.
Genome position (GRCh38, 1-based): chr11:1,259,008, G>A. VCF-style: chr11-1259008-G-A. GRCh37 (hg19) VCF-style: chr11-1280238-G-A.
Other names: short protein forms D5554N.
Identifiers: ClinVar variation 164011 (VCV000164011.6), dbSNP rs55856616, ClinGen allele CA176782.

ClinVar aggregate classification (germline): Benign. Review status: criteria provided, multiple submitters, no conflicts (2 of 4 stars). 3 submissions from 3 submitters: Benign (2). 1 of the submissions does not count toward it. Last evaluated 2013-02-21.

Conditions:
MUC5B-related disorder. Also called: MUC5B-related condition.

Allele frequency attached by ClinVar (database versions not stated): ESP Exome Variant Server 0.04760; 1000 Genomes Project 0.05052; ExAC 0.06572; TOPMed 0.05205; gnomAD exomes 0.03749 and 0.03564; gnomAD 0.04888 and 0.04933; 1000 Genomes Project 30x 0.05153.
gnomAD v4.1: 57,962 of 1,560,460 alleles (3.7%); highest among the groups gnomAD compares: African/African-American, 9.7%; 1,401 homozygotes.

Submissions (3):

Laboratory for Molecular Medicine, Mass General Brigham Personalized Medicine
Classification: Benign. Last evaluated: 2013-02-21. Review status: criteria provided, single submitter. Criteria: LMM Criteria. Collection method: clinical testing. Allele origin: germline. Observed: 11 variant alleles.
Comment: Asp5554Asn in exon 44 of MUC5B: This variant is not expected to have clinical si gnificance because it has been identified in 8.4% (329/3894) of African American chromosomes from a broad population by the NHLBI Exome Sequencing Project (dbSNP rs55856616).

Breakthrough Genomics
Classification: Benign. Review status: criteria provided, single submitter. Criteria: ACMG Guidelines, 2015. Collection method: not provided. Allele origin: germline. Inheritance: Autosomal dominant inheritance. Affected: yes.

PreventionGenetics, part of Exact Sciences
Classification: Benign for MUC5B-related condition. Last evaluated: 2024-08-31. Review status: no assertion criteria provided. Collection method: clinical testing. Allele origin: germline. Not counted in ClinVar's aggregate classification.
Comment: This variant is classified as benign based on ACMG/AMP sequence variant interpretation guidelines (Richards et al. 2015 PMID: 25741868, with internal and published modifications).